The following is an entry in ClinVar:

NM_001378328.1(CELSR1):c.3258G>A (p.Thr1086=)

Gene: CELSR1 (cadherin EGF LAG seven-pass G-type receptor 1; minus strand). Cytogenetic location: 22q13.31.
Variant type: single nucleotide variant.
Coding change: c.3258G>A on transcript NM_001378328.1 (MANE Select); coding-DNA position 3258, G replaced by A.
Protein change: p.Thr1086=; no amino-acid change (threonine 1086 retained).
Molecular consequence: synonymous variant.
Genome position (GRCh38, 1-based): chr22:46,533,913, C>T on the plus strand (G>A on the coding strand, the complement: CELSR1 is on the minus strand). VCF-style: chr22-46533913-C-T. GRCh37 (hg19) VCF-style: chr22-46929810-C-T.
Other names: c.3258G>A, p.Thr1086= (NM_014246.4).
Identifiers: ClinVar variation 3041018 (VCV003041018.2), dbSNP rs759502221, ClinGen allele CA10295052.

ClinVar aggregate classification (germline): Likely benign (0 of 4 stars; one submission).

Conditions:
CELSR1-related disorder. Also called: CELSR1-related condition.

Allele frequency attached by ClinVar (database versions not stated): ExAC 0.00006.
gnomAD v4.1: 176 of 1,613,018 alleles (0.011%); highest among the groups gnomAD compares: East Asian, 0.036%; no homozygotes.

Submission:

PreventionGenetics, part of Exact Sciences
Classification: Likely benign for CELSR1-related condition. Last evaluated: 2019-10-28. Review status: no assertion criteria provided. Collection method: clinical testing. Allele origin: germline.
Comment: This variant is classified as likely benign based on ACMG/AMP sequence variant interpretation guidelines (Richards et al. 2015 PMID: 25741868, with internal and published modifications).